The following is an entry in ClinVar:

NM_004360.5(CDH1):c.1740A>C (p.Thr580=)

Gene: CDH1 (cadherin 1; plus strand). Cytogenetic location: 16q22.1.
Variant type: single nucleotide variant.
Coding change: c.1740A>C on transcript NM_004360.5 (MANE Select); coding-DNA position 1740, A replaced by C.
Protein change: p.Thr580=; no amino-acid change (threonine 580 retained).
Molecular consequence: synonymous variant. On other transcripts: 5 prime UTR variant (1).
Genome position (GRCh38, 1-based): chr16:68,822,029, A>C. VCF-style: chr16-68822029-A-C. GRCh37 (hg19) VCF-style: chr16-68855932-A-C.
Other names: c.1557A>C, p.Thr519= (NM_001317184.2); c.192A>C, p.Thr64= (NM_001317185.2); c.-226A>C (NM_001317186.2).
Identifiers: ClinVar variation 3378825 (VCV003378825.1).
Genomic context (GRCh38, chr16:68,822,029, plus strand): 5'-AGCTGCCACATTTTCTGTGTATTTTCTCTTAGGTTCTCCAGTTGCTACTGGAACAGGGAC[A>C]CTTCTGCTGATCCTGTCTGATGTGAATGACAACGCCCCCATACCAGAACCTCGAACTATA-3'
Protein context (NP_004351.1, residues 570-590): NGSPVATGTG[Thr580=]LLLILSDVND

ClinVar aggregate classification (germline): Benign (1 of 4 stars; one submission).

Conditions:
Hereditary diffuse gastric adenocarcinoma (HDGC). Also called: DIFFUSE GASTRIC AND LOBULAR BREAST CANCER SYNDROME. Identifiers: Orphanet 26106, MedGen C1708349, MONDO:0007648, OMIM 137215.

Submission:

Myriad Genetics, Inc.
Classification: Benign for Hereditary diffuse gastric adenocarcinoma. Last evaluated: 2024-09-19. Review status: criteria provided, single submitter. Criteria: Myriad Autosomal Dominant, Autosomal Recessive and X-Linked Classification Criteria (2023). Collection method: clinical testing. Allele origin: unknown.
Comment: This variant is considered benign. This variant is a silent/synonymous amino acid change and it is not expected to impact splicing.